The following is an entry in ClinVar:

NM_000350.3(ABCA4):c.978C>A (p.Tyr326Ter)

Gene: ABCA4 (ATP binding cassette subfamily A member 4; minus strand). Cytogenetic location: 1p22.1.
Variant type: single nucleotide variant.
Coding change: c.978C>A on transcript NM_000350.3 (MANE Select); coding-DNA position 978, C replaced by A.
Protein change: p.Tyr326Ter; replaces tyrosine 326 with a stop codon.
Molecular consequence: nonsense.
Genome position (GRCh38, 1-based): chr1:94,080,599, G>T on the plus strand (C>A on the coding strand, the complement: ABCA4 is on the minus strand). VCF-style: chr1-94080599-G-T. GRCh37 (hg19) VCF-style: chr1-94546155-G-T.
Other names: c.978C>A, p.Tyr326Ter (NM_001425324.1); short protein forms Y326*.
Identifiers: ClinVar variation 2151890 (VCV002151890.5), dbSNP rs747540967, ClinGen allele CA958668.

ClinVar aggregate classification (germline): Pathogenic. Review status: criteria provided, multiple submitters, no conflicts (2 of 4 stars). 2 submissions from 2 submitters: Pathogenic (2). Last evaluated 2023-03-08.

Conditions:
ABCA4-related disorder. Also called: ABCA4-related condition; ABCA4-related disorders. Identifiers: MedGen CN239167.

Allele frequency attached by ClinVar (database versions not stated): ExAC 0.00442.

Submissions (2):

Labcorp Genetics (formerly Invitae), Labcorp
Classification: Pathogenic. Last evaluated: 2023-03-08. Review status: criteria provided, single submitter. Criteria: Invitae Variant Classification Sherloc (09022015). Collection method: clinical testing. Allele origin: germline.
Comment: This sequence change creates a premature translational stop signal (p.Tyr326*) in the ABCA4 gene. It is expected to result in an absent or disrupted protein product. Loss-of-function variants in ABCA4 are known to be pathogenic (PMID: 10958761, 24938718, 25312043, 26780318). The frequency data for this variant in the population databases is considered unreliable, as metrics indicate poor data quality at this position in the gnomAD database. This premature translational stop signal has been observed in individual(s) with Stargardt disease (PMID: 30060493). ClinVar contains an entry for this variant (Variation ID: 2151890). For these reasons, this variant has been classified as Pathogenic.

Blueprint Genetics
Classification: Pathogenic for ABCA4-related disorders. Last evaluated: 2023-01-24. Review status: criteria provided, single submitter. Criteria: ACMG Guidelines, 2015. Collection method: clinical testing. Allele origin: germline. Affected: yes. Observed: 2 variant alleles.

Literature cited by the submitters: PubMed 10958761 (cited by Labcorp Genetics (formerly Invitae), Labcorp); PubMed 24938718 (cited by Labcorp Genetics (formerly Invitae), Labcorp); PubMed 25312043 (cited by Labcorp Genetics (formerly Invitae), Labcorp); PubMed 26780318 (cited by Labcorp Genetics (formerly Invitae), Labcorp); PubMed 30060493 (cited by Labcorp Genetics (formerly Invitae), Labcorp).